The following is an entry in ClinVar:

ClinVar aggregate classification (germline): Uncertain significance. Review status: criteria provided, multiple submitters, no conflicts (2 of 4 stars). 3 submissions from 3 submitters: Uncertain significance (3). Last evaluated 2025-01-30.

Conditions:
Autoinflammatory syndrome. Identifiers: Orphanet 93665, MedGen C3890737, MONDO:0019751.
Griscelli syndrome type 2 (GS2). Also called: PAID SYNDROME; PARTIAL ALBINISM AND IMMUNODEFICIENCY SYNDROME; GRISCELLI SYNDROME WITH HEMOPHAGOCYTIC SYNDROME. Identifiers: Orphanet 381, Orphanet 79477, MedGen C1868679, MONDO:0011872, OMIM 607624.

Allele frequency attached by ClinVar (database versions not stated): gnomAD exomes 0.00007 and 0.00015; TOPMed 0.00009; gnomAD 0.00012 and 0.00014; ExAC 0.00017; ESP Exome Variant Server 0.00015.
gnomAD v4.1: 128 of 1,612,396 alleles (0.0079%); highest among the groups gnomAD compares: Middle Eastern, 0.033%; no homozygotes.

Submissions (4):

Labcorp Genetics (formerly Invitae), Labcorp
Classification: Uncertain significance for Griscelli syndrome type 2. Last evaluated: 2025-01-30. Review status: criteria provided, single submitter. Criteria: Invitae Variant Classification Sherloc (09022015). Collection method: clinical testing. Allele origin: germline.
Comment: This sequence change replaces tyrosine, which is neutral and polar, with cysteine, which is neutral and slightly polar, at codon 6 of the RAB27A protein (p.Tyr6Cys). This variant is present in population databases (rs145253993, gnomAD 0.03%). This missense change has been observed in individual(s) with clinical features of familial Mediterranean fever (PMID: 32853466). ClinVar contains an entry for this variant (Variation ID: 536463). Invitae Evidence Modeling of protein sequence and biophysical properties (such as structural, functional, and spatial information, amino acid conservation, physicochemical variation, residue mobility, and thermodynamic stability) indicates that this missense variant is expected to disrupt RAB27A protein function with a positive predictive value of 95%. In summary, the available evidence is currently insufficient to determine the role of this variant in disease. Therefore, it has been classified as a Variant of Uncertain Significance.

Blueprint Genetics
Classification: Uncertain significance. Last evaluated: 2024-11-13. Review status: criteria provided, single submitter. Criteria: ACMG Guidelines, 2015. Collection method: clinical testing. Allele origin: germline.

Genome Diagnostics Laboratory, The Hospital for Sick Children
Classification: Uncertain significance for Autoinflammatory syndrome. Last evaluated: 2017-10-02. Review status: criteria provided, single submitter. Criteria: ACMG Guidelines, 2015. Collection method: clinical testing. Allele origin: germline. Affected: yes.

Dr. Peter K. Rogan Lab, Western University
No classification provided (evidence only). Condition: Colon adenocarcinoma. Review status: no classification provided. Collection method: in vitro. Allele origin: not applicable. Functional consequence: retained intron. Not counted in ClinVar's aggregate classification.

Literature cited by the submitters: PubMed 32853466 (cited by Labcorp Genetics (formerly Invitae), Labcorp).

NM_183235.3(RAB27A):c.17A>G (p.Tyr6Cys)

Gene: RAB27A (RAB27A, member RAS oncogene family; minus strand). Cytogenetic location: 15q21.3.
Variant type: single nucleotide variant.
Coding change: c.17A>G on transcript NM_183235.3 (MANE Select); coding-DNA position 17, A replaced by G.
Protein change: p.Tyr6Cys; replaces tyrosine 6 with cysteine.
Molecular consequence: missense variant.
Genome position (GRCh38, 1-based): chr15:55,234,918, T>C on the plus strand (A>G on the coding strand, the complement: RAB27A is on the minus strand). VCF-style: chr15-55234918-T-C. GRCh37 (hg19) VCF-style: chr15-55527116-T-C.
Other names: c.17A>G, p.Tyr6Cys (NM_004580.5, NM_183234.3, NM_183236.3); short protein forms Y6C.
Identifiers: ClinVar variation 536463 (VCV000536463.13), dbSNP rs145253993, ClinGen allele CA7573714.